The following is an entry in ClinVar:

ClinVar aggregate classification (germline): Uncertain significance. Review status: criteria provided, multiple submitters, no conflicts (2 of 4 stars). 5 submissions from 5 submitters: Uncertain significance (5). Last evaluated 2026-06-23.

Conditions:
DES-related disorder. Also called: DES-related condition.
Cardiovascular phenotype. Identifiers: MedGen CN230736.
Desmin-related myofibrillar myopathy (MFM1). Also called: Desminopathy; Desmin related myopathy (former name); Desmin storage myopathy (former name); MYOFIBRILLAR MYOPATHY WITH ARRHYTHMOGENIC RIGHT VENTRICULAR CARDIOMYOPATHY; DESMIN-RELATED MYOPATHY WITH ARRHYTHMOGENIC RIGHT VENTRICULAR CARDIOMYOPATHY; Myofibrillar myopathy 1. Identifiers: Orphanet 363543, Orphanet 98909, MedGen C1832370, MONDO:0011076, OMIM 601419.

Allele frequency attached by ClinVar (database versions not stated): gnomAD exomes below 0.00001; ExAC 0.00001; TOPMed 0.00001.
gnomAD v4.1: 12 of 1,613,902 alleles (0.00074%); highest among the groups gnomAD compares: Admixed American, 0.0017%; no homozygotes.

Submissions (5):

PreventionGenetics, part of Exact Sciences
Classification: Uncertain significance for DES-related condition. Last evaluated: 2026-06-23. Review status: criteria provided, single submitter. Criteria: ACMG Guidelines, 2015. Collection method: clinical testing. Allele origin: germline.
Comment: The DES c.742C>T variant is predicted to result in the amino acid substitution p.Arg248Cys. This variant has been reported in an individual with sudden cardiac arrest (Asatryan et al. 2019. PubMed ID: 30975432). This variant is reported in 0.00089% of alleles in individuals of European (Non-Finnish) descent in gnomAD. At this time, the clinical significance of this variant is uncertain due to the absence of conclusive functional and genetic evidence.

Labcorp Genetics (formerly Invitae), Labcorp
Classification: Uncertain significance for Desmin-related myofibrillar myopathy. Last evaluated: 2025-12-09. Review status: criteria provided, single submitter. Criteria: Invitae Variant Classification Sherloc (09022015). Collection method: clinical testing. Allele origin: germline.
Comment: This sequence change replaces arginine, which is basic and polar, with cysteine, which is neutral and slightly polar, at codon 248 of the DES protein (p.Arg248Cys). This variant is present in population databases (rs772117708, gnomAD 0.003%). This missense change has been observed in individual(s) with clinical features of DES-related conditions (PMID: 30975432). ClinVar contains an entry for this variant (Variation ID: 578625). Invitae Evidence Modeling of protein sequence and biophysical properties (such as structural, functional, and spatial information, amino acid conservation, physicochemical variation, residue mobility, and thermodynamic stability) has been performed for this missense variant. However, the output from this modeling did not meet the statistical confidence thresholds required to predict the impact of this variant on DES protein function. In summary, the available evidence is currently insufficient to determine the role of this variant in disease. Therefore, it has been classified as a Variant of Uncertain Significance.

Ambry Genetics
Classification: Uncertain significance for Cardiovascular phenotype. Last evaluated: 2024-08-23. Review status: criteria provided, single submitter. Criteria: Ambry Variant Classification Scheme 2023. Collection method: clinical testing. Allele origin: germline.
Comment: The p.R248C variant (also known as c.742C>T), located in coding exon 4 of the DES gene, results from a C to T substitution at nucleotide position 742. The arginine at codon 248 is replaced by cysteine, an amino acid with highly dissimilar properties. This alteration has been reported in a sudden cardiac arrest cohort (Asatryan B et al. Am J Cardiol, 2019 Jun;123:2031-2038). This amino acid position is highly conserved in available vertebrate species. In addition, this alteration is predicted to be deleterious by in silico analysis. Based on the available evidence, the clinical significance of this variant remains unclear.

Blueprint Genetics
Classification: Uncertain significance. Last evaluated: 2024-01-05. Review status: criteria provided, single submitter. Criteria: ACMG Guidelines, 2015. Collection method: clinical testing. Allele origin: germline.

GeneDx
Classification: Uncertain significance. Last evaluated: 2021-06-16. Review status: criteria provided, single submitter. Criteria: GeneDx Variant Classification Process June 2021. Collection method: clinical testing. Allele origin: germline. Affected: yes.
Comment: Has not been previously published as pathogenic or benign to our knowledge; Not observed at significant frequency in large population cohorts (Lek et al., 2016); In silico analysis supports that this missense variant has a deleterious effect on protein structure/function; Reported in ClinVar as a variant of uncertain significance (ClinVar Variant ID# 578625; Landrum et al., 2016); This variant is associated with the following publications: (PMID: 27535533, 26582918)

Literature cited by the submitters: PubMed 30975432 (cited by Labcorp Genetics (formerly Invitae), Labcorp and Ambry Genetics).

NM_001927.4(DES):c.742C>T (p.Arg248Cys)

Gene: DES (desmin; plus strand). Cytogenetic location: 2q35.
Variant type: single nucleotide variant.
Coding change: c.742C>T on transcript NM_001927.4 (MANE Select); coding-DNA position 742, C replaced by T.
Protein change: p.Arg248Cys; replaces arginine 248 with cysteine.
Molecular consequence: missense variant.
Genome position (GRCh38, 1-based): chr2:219,420,501, C>T. VCF-style: chr2-219420501-C-T. GRCh37 (hg19) VCF-style: chr2-220285223-C-T.
Other names: c.742C>T (LRG_380t1); short protein forms R248C.
Identifiers: ClinVar variation 578625 (VCV000578625.14), dbSNP rs772117708, ClinGen allele CA2125154.